The following is an entry in ClinVar:

NM_006949.4(STXBP2):c.1696+1G>A

Gene: STXBP2 (syntaxin binding protein 2; plus strand). Cytogenetic location: 19p13.2.
Variant type: single nucleotide variant.
Coding change: c.1696+1G>A on transcript NM_006949.4 (MANE Select); the canonical splice donor site of the intron after coding-DNA position 1696, G replaced by A.
Molecular consequence: splice donor variant.
Genome position (GRCh38, 1-based): chr19:7,647,512, G>A. VCF-style: chr19-7647512-G-A. GRCh37 (hg19) VCF-style: chr19-7712398-G-A.
Other names: c.1600+1G>A (NM_001414484.1); c.1729+1G>A (NM_001272034.2); c.1687+1G>A (NM_001127396.3).
Identifiers: ClinVar variation 2736771 (VCV002736771.4), dbSNP rs1241257956, ClinGen allele CA403162257.

ClinVar aggregate classification (germline): Uncertain significance (1 of 4 stars; one submission).

Conditions:
Familial hemophagocytic lymphohistiocytosis 5. Also called: STXBP2-Related Familial Hemophagocytic Lymphohistiocytosis (STXBP2-fHLH). Identifiers: Orphanet 540, MedGen C2751293, MONDO:0013135, OMIM 613101.

Allele frequency attached by ClinVar (database versions not stated): gnomAD exomes below 0.00001; TOPMed below 0.00001.
gnomAD v4.1: 1 of 1,592,976 alleles (0.000063%); highest among the groups gnomAD compares: Non-Finnish European, 0.000086%; no homozygotes.

Submissions (2):

Labcorp Genetics (formerly Invitae), Labcorp
Classification: Uncertain significance for Familial hemophagocytic lymphohistiocytosis 5. Last evaluated: 2023-12-02. Review status: criteria provided, single submitter. Criteria: Invitae Variant Classification Sherloc (09022015). Collection method: clinical testing. Allele origin: germline.
Comment: This sequence change affects a donor splice site in intron 18 of the STXBP2 gene. While this variant is not anticipated to result in nonsense mediated decay, it likely alters RNA splicing and results in a disrupted protein product. This variant is present in population databases (no rsID available, gnomAD 0.001%). Disruption of this splice site has been observed in individual(s) with hemophagocytic lymphohistiocytosis (PMID: 22451424). Experimental studies and prediction algorithms are not available or were not evaluated, and the functional significance of this variant is currently unknown. Variants that disrupt the consensus splice site are a relatively common cause of aberrant splicing (PMID: 17576681, 9536098). Algorithms developed to predict the effect of sequence changes on RNA splicing suggest that this variant may disrupt the consensus splice site. This variant disrupts a region of the STXBP2 protein in which other variant(s) (p.Gly566Asp) have been observed in individuals with STXBP2-related conditions (PMID: 22796692, 31976148). This suggests that this is a clinically significant region of the protein, and that variants that disrupt it are likely to be disease-causing. In summary, the available evidence is currently insufficient to determine the role of this variant in disease. Therefore, it has been classified as a Variant of Uncertain Significance.

Dr. Peter K. Rogan Lab, Western University
No classification provided (evidence only). Condition: Malignant tumor of urinary bladder. Review status: no classification provided. Collection method: in vitro. Allele origin: not applicable. Functional consequence: skipped exon, retained intron. Not counted in ClinVar's aggregate classification.

Literature cited by the submitters: PubMed 22451424 (cited by Labcorp Genetics (formerly Invitae), Labcorp); PubMed 17576681 (cited by Labcorp Genetics (formerly Invitae), Labcorp); PubMed 9536098 (cited by Labcorp Genetics (formerly Invitae), Labcorp); PubMed 22796692 (cited by Labcorp Genetics (formerly Invitae), Labcorp); PubMed 31976148 (cited by Labcorp Genetics (formerly Invitae), Labcorp).